The following is an entry in ClinVar:

NM_007118.4(TRIO):c.7243C>T (p.Leu2415=)

Gene: TRIO (trio Rho guanine nucleotide exchange factor; plus strand). Cytogenetic location: 5p15.2.
Variant type: single nucleotide variant.
Coding change: c.7243C>T on transcript NM_007118.4 (MANE Select); coding-DNA position 7243, C replaced by T.
Protein change: p.Leu2415=; no amino-acid change (leucine 2415 retained).
Molecular consequence: synonymous variant.
Genome position (GRCh38, 1-based): chr5:14,487,871, C>T. VCF-style: chr5-14487871-C-T. GRCh37 (hg19) VCF-style: chr5-14487980-C-T.
Identifiers: ClinVar variation 3025127 (VCV003025127.22), dbSNP rs1473281721, ClinGen allele CA443537490.

ClinVar aggregate classification (germline): Likely benign (1 of 4 stars; one submission).

Allele frequency attached by ClinVar (database versions not stated): gnomAD 0.00001; TOPMed 0.00002.
gnomAD v4.1: 10 of 1,538,942 alleles (0.00065%); highest among the groups gnomAD compares: Non-Finnish European, 0.00088%; no homozygotes.

Submission:

CeGaT Center for Human Genetics Tuebingen
Classification: Likely benign. Last evaluated: 2026-03-01. Review status: criteria provided, single submitter. Criteria: CeGaT Center For Human Genetics Tuebingen Variant Classification Criteria Version 2. Collection method: clinical testing. Allele origin: germline. Affected: yes. Observed: 2 variant alleles.
Comment: TRIO: BP4, BP7